The following is an entry in ClinVar:

NM_024642.5(GALNT12):c.1554G>A (p.Met518Ile)

Gene: GALNT12 (polypeptide N-acetylgalactosaminyltransferase 12; plus strand). Cytogenetic location: 9q22.33.
Variant type: single nucleotide variant.
Coding change: c.1554G>A on transcript NM_024642.5 (MANE Select); coding-DNA position 1554, G replaced by A.
Protein change: p.Met518Ile; replaces methionine 518 with isoleucine.
Molecular consequence: missense variant.
Genome position (GRCh38, 1-based): chr9:98,846,072, G>A. VCF-style: chr9-98846072-G-A. GRCh37 (hg19) VCF-style: chr9-101608354-G-A.
Other names: short protein forms M518I.
Identifiers: ClinVar variation 1055769 (VCV001055769.12), dbSNP rs774123474, ClinGen allele CA5154313.

ClinVar aggregate classification (germline): Uncertain significance. Review status: criteria provided, multiple submitters, no conflicts (2 of 4 stars). 2 submissions from 2 submitters: Uncertain significance (2). Last evaluated 2024-07-13.

Allele frequency attached by ClinVar (database versions not stated): gnomAD exomes below 0.00001 and 0.00002; ExAC 0.00002.
gnomAD v4.1: 5 of 1,614,200 alleles (0.00031%); highest among the groups gnomAD compares: South Asian, 0.0055%; no homozygotes.

Submissions (2):

Ambry Genetics
Classification: Uncertain significance. Last evaluated: 2024-07-13. Review status: criteria provided, single submitter. Criteria: Ambry Variant Classification Scheme 2023. Collection method: clinical testing. Allele origin: germline.
Comment: The p.M518I variant (also known as c.1554G>A), located in coding exon 9 of the GALNT12 gene, results from a G to A substitution at nucleotide position 1554. The methionine at codon 518 is replaced by isoleucine, an amino acid with highly similar properties. This amino acid position is conserved. In addition, this alteration is predicted to be tolerated by in silico analysis. Since supporting evidence is limited at this time, the clinical significance of this alteration remains unclear.

Labcorp Genetics (formerly Invitae), Labcorp
Classification: Uncertain significance. Last evaluated: 2020-03-02. Review status: criteria provided, single submitter. Criteria: Invitae Variant Classification Sherloc (09022015). Collection method: clinical testing. Allele origin: germline.
Comment: This variant is present in population databases (rs774123474, ExAC 0.01%). In summary, the available evidence is currently insufficient to determine the role of this variant in disease. Therefore, it has been classified as a Variant of Uncertain Significance. Algorithms developed to predict the effect of missense changes on protein structure and function (SIFT, PolyPhen-2, Align-GVGD) all suggest that this variant is likely to be tolerated, but these predictions have not been confirmed by published functional studies and their clinical significance is uncertain. This variant has not been reported in the literature in individuals with GALNT12-related conditions. This sequence change replaces methionine with isoleucine at codon 518 of the GALNT12 protein (p.Met518Ile). The methionine residue is moderately conserved and there is a small physicochemical difference between methionine and isoleucine.